The following is an entry in ClinVar:

NM_024640.4(YRDC):c.177G>A (p.Ala59=)

Genes: C1orf122 (chromosome 1 open reading frame 122; plus strand), YRDC (yrdC N6-threonylcarbamoyltransferase domain containing; minus strand), LOC129930167 (ATAC-STARR-seq lymphoblastoid silent region 680; plus strand). Cytogenetic location: 1p34.3.
Variant type: single nucleotide variant.
Coding change: c.177G>A on transcript NM_024640.4 (MANE Select); coding-DNA position 177, G replaced by A.
Protein change: p.Ala59=; no amino-acid change (alanine 59 retained).
Molecular consequence: synonymous variant. On other transcripts: 5 prime UTR variant (2).
Genome position (GRCh38, 1-based): chr1:37,808,004, C>T on the plus strand (G>A on the coding strand, the complement: YRDC is on the minus strand). VCF-style: chr1-37808004-C-T. GRCh37 (hg19) VCF-style: chr1-38273676-C-T.
Other names: c.-457C>T (NM_001142726.2); c.-401C>T (NM_198446.3).
Identifiers: ClinVar variation 3029283 (VCV003029283.2), dbSNP rs1293243965, ClinGen allele CA417268538.

ClinVar aggregate classification (germline): Likely benign (0 of 4 stars; one submission).

Conditions:
YRDC-related disorder. Also called: YRDC-related condition.

Allele frequency attached by ClinVar (database versions not stated): TOPMed 0.00001.
gnomAD v4.1: 18 of 1,209,172 alleles (0.0015%); highest among the groups gnomAD compares: Non-Finnish European, 0.0018%; no homozygotes.

Submission:

PreventionGenetics, part of Exact Sciences
Classification: Likely benign for YRDC-related condition. Last evaluated: 2022-09-22. Review status: no assertion criteria provided. Collection method: clinical testing. Allele origin: germline.
Comment: This variant is classified as likely benign based on ACMG/AMP sequence variant interpretation guidelines (Richards et al. 2015 PMID: 25741868, with internal and published modifications).